The following is an entry in ClinVar:

ClinVar aggregate classification (germline): Likely benign (1 of 4 stars; one submission).

Conditions:
Neurodevelopmental disorder with seizures and brain atrophy. Identifiers: MedGen C5436732, MONDO:0033658, OMIM 619072.

Submission:

Juno Genomics, Hangzhou Juno Genomics, Inc
Classification: Likely benign for Neurodevelopmental disorder with seizures and brain atrophy. Review status: criteria provided, single submitter. Criteria: ACMG Guidelines, 2015. Collection method: clinical testing. Allele origin: germline.
Comment: Multiple lines of computational evidence suggest no impact on gene or gene product.

NM_001013839.4(EXOC7):c.127-4G>A

Gene: EXOC7 (exocyst complex component 7; minus strand). Cytogenetic location: 17q25.1.
Variant type: single nucleotide variant.
Coding change: c.127-4G>A on transcript NM_001013839.4 (MANE Select); 4 bases into the intron before coding-DNA position 127, G replaced by A.
Molecular consequence: intron variant.
Genome position (GRCh38, 1-based): chr17:76,101,867, C>T on the plus strand (G>A on the coding strand, the complement: EXOC7 is on the minus strand). VCF-style: chr17-76101867-C-T. GRCh37 (hg19) VCF-style: chr17-74097948-C-T.
Other names: c.127-4G>A (NM_015219.5, NM_001375975.1, NM_001145298.4 and 5 more transcripts); c.4-4G>A (NM_001282313.2).
Identifiers: ClinVar variation 5005820 (VCV005005820.2).